The following is an entry in ClinVar:

NM_001364905.1(LRBA):c.6443A>G (p.Asn2148Ser)

Gene: LRBA (LPS responsive beige-like anchor protein; minus strand). Cytogenetic location: 4q31.3.
Variant type: single nucleotide variant.
Coding change: c.6443A>G on transcript NM_001364905.1 (MANE Select); coding-DNA position 6443, A replaced by G.
Protein change: p.Asn2148Ser; replaces asparagine 2148 with serine.
Molecular consequence: missense variant.
Genome position (GRCh38, 1-based): chr4:150,490,923, T>C on the plus strand (A>G on the coding strand, the complement: LRBA is on the minus strand). VCF-style: chr4-150490923-T-C. GRCh37 (hg19) VCF-style: chr4-151412075-T-C.
Other names: p.Asn2159Ser; c.6443A>G, p.Asn2148Ser (NM_001199282.3, NM_001367550.1); c.6476A>G, p.Asn2159Ser (NM_006726.5); short protein forms N2159S, N2148S.
Identifiers: ClinVar variation 373388 (VCV000373388.8), dbSNP rs143949228, ClinGen allele CA3101942.

ClinVar aggregate classification (germline): Uncertain significance. Review status: criteria provided, multiple submitters, no conflicts (2 of 4 stars). 4 submissions from 4 submitters: Uncertain significance (4). Last evaluated 2025-12-16.

Conditions:
Inborn genetic diseases. Identifiers: MedGen C0950123, MeSH D030342.
Combined immunodeficiency due to LRBA deficiency. Also called: Common variable immunodeficiency 8, with autoimmunity. Identifiers: Orphanet 445018, MedGen C3553512, MONDO:0013863, OMIM 614700.

Allele frequency attached by ClinVar (database versions not stated): gnomAD exomes 0.00001 and 0.00002; gnomAD 0.00001; TOPMed 0.00001; ESP Exome Variant Server 0.00008; ExAC 0.00001.
gnomAD v4.1: 19 of 1,589,068 alleles (0.0012%); highest among the groups gnomAD compares: South Asian, 0.009%; no homozygotes.

Submissions (4):

Mayo Clinic Laboratories, Mayo Clinic
Classification: Uncertain significance. Last evaluated: 2025-12-16. Review status: criteria provided, single submitter. Criteria: ACMG Guidelines, 2015. Collection method: clinical testing. Allele origin: germline. Observed: 1 variant allele.
Comment: BP4_moderate

Ambry Genetics
Classification: Uncertain significance for Inborn genetic diseases. Last evaluated: 2024-08-19. Review status: criteria provided, single submitter. Criteria: Ambry Variant Classification Scheme 2023. Collection method: clinical testing. Allele origin: germline.

Labcorp Genetics (formerly Invitae), Labcorp
Classification: Uncertain significance for Combined immunodeficiency due to LRBA deficiency. Last evaluated: 2021-08-27. Review status: criteria provided, single submitter. Criteria: Invitae Variant Classification Sherloc (09022015). Collection method: clinical testing. Allele origin: germline.
Comment: This sequence change replaces asparagine with serine at codon 2159 of the LRBA protein (p.Asn2159Ser). The asparagine residue is weakly conserved and there is a small physicochemical difference between asparagine and serine. This variant is present in population databases (rs143949228, ExAC 0.01%). This variant has not been reported in the literature in individuals affected with LRBA-related conditions. ClinVar contains an entry for this variant (Variation ID: 373388). Algorithms developed to predict the effect of missense changes on protein structure and function (SIFT, PolyPhen-2, Align-GVGD) all suggest that this variant is likely to be tolerated. In summary, the available evidence is currently insufficient to determine the role of this variant in disease. Therefore, it has been classified as a Variant of Uncertain Significance.

GeneDx
Classification: Uncertain significance. Last evaluated: 2016-11-23. Review status: criteria provided, single submitter. Criteria: GeneDx Variant Classification (06012015). Collection method: clinical testing. Allele origin: germline. Affected: yes.
Comment: The N2159S variant in the LRBA gene has not been reported previously as a pathogenic variant, nor as a benign variant, to our knowledge. The N2159S variant was not observed at any significant frequency in approximately 6500 individuals of European and African American ancestry in the NHLBI Exome Sequencing Project, indicating it is not a common benign variant in these populations. The N2159S variant is a conservative amino acid substitution, which is not likely to impact secondary protein structure as these residues share similar properties. However, this substitution occurs at a position that is conserved across species, and in silico analysis predicts this variant is probably damaging to the protein structure/function. We interpret N2159S as a variant of uncertain significance